The following is an entry in ClinVar:

NM_000059.4(BRCA2):c.7240T>G (p.Ser2414Ala)

Gene: BRCA2 (BRCA2 DNA repair associated; plus strand). Cytogenetic location: 13q13.1.
Variant type: single nucleotide variant.
Coding change: c.7240T>G on transcript NM_000059.4 (MANE Select); coding-DNA position 7240, T replaced by G.
Protein change: p.Ser2414Ala; replaces serine 2414 with alanine.
Molecular consequence: missense variant.
Genome position (GRCh38, 1-based): chr13:32,355,093, T>G. VCF-style: chr13-32355093-T-G. GRCh37 (hg19) VCF-style: chr13-32929230-T-G.
Other names: short protein forms S2414A.
Identifiers: ClinVar variation 441370 (VCV000441370.6), dbSNP rs1555286057, ClinGen allele CA387740364.

ClinVar aggregate classification (germline): Uncertain significance. Review status: criteria provided, multiple submitters, no conflicts (2 of 4 stars). 2 submissions from 2 submitters: Uncertain significance (2). Last evaluated 2023-06-26.

Conditions:
Breast-ovarian cancer, familial, susceptibility to, 2 (BROVCA2). Also called: BRCA2 Hereditary Breast and Ovarian Cancer. Identifiers: Orphanet 145, MedGen C2675520, MONDO:0012933, OMIM 612555. Disease mechanism: loss of function.
Hereditary cancer-predisposing syndrome. Also called: Hereditary Cancer Syndrome; Hereditary neoplastic syndrome; Tumor predisposition; Neoplastic Syndromes, Hereditary. Identifiers: Orphanet 140162, MedGen C0027672, MeSH D009386, MONDO:0015356.

Submissions (2):

All of Us Research Program, National Institutes of Health
Classification: Uncertain significance for Breast-ovarian cancer, familial, susceptibility to, 2. Last evaluated: 2023-06-26. Review status: criteria provided, single submitter. Criteria: ACMG Guidelines, 2015. Collection method: clinical testing. Allele origin: germline. Inheritance: Autosomal dominant inheritance. Observed: 1 variant allele, 1 heterozygote.
Comment: This missense variant replaces serine with alanine at codon 2414 of the BRCA2 protein. Computational prediction suggests that this variant may not impact protein structure and function (internally defined REVEL score threshold <= 0.5, PMID: 27666373). To our knowledge, functional studies have not been reported for this variant. This variant has not been reported in individuals affected with BRCA2-related disorders in the literature. This variant has not been identified in the general population by the Genome Aggregation Database (gnomAD). The available evidence is insufficient to determine the role of this variant in disease conclusively. Therefore, this variant is classified as a Variant of Uncertain Significance.

This study involves interpretation of variants in research participants for the purpose of population health screening. Participant phenotype was not available at the time of variant classification. Additional details can be found in publication PMID: 35346344, PMCID: PMC8962531

Ambry Genetics
Classification: Uncertain significance for Hereditary cancer-predisposing syndrome. Last evaluated: 2017-01-09. Review status: criteria provided, single submitter. Criteria: Ambry Variant Classification Scheme 2023. Collection method: clinical testing. Allele origin: germline.
Comment: The p.S2414A variant (also known as c.7240T>G), located in coding exon 13 of the BRCA2 gene, results from a T to G substitution at nucleotide position 7240. The serine at codon 2414 is replaced by alanine, an amino acid with similar properties. This amino acid position is not well conserved in available vertebrate species. In addition, the in silico prediction for this alteration is inconclusive. Since supporting evidence is limited at this time, the clinical significance of this alteration remains unclear.